The following is an entry in ClinVar:

NM_001365276.2(TNXB):c.11845G>A (p.Ala3949Thr)

Genes: TNXB (tenascin XB; minus strand), LOC106780803 (tenascin XB recombination region; plus strand). Cytogenetic location: 6p21.33.
Variant type: single nucleotide variant.
Coding change: c.11845G>A on transcript NM_001365276.2 (MANE Select); coding-DNA position 11845, G replaced by A.
Protein change: p.Ala3949Thr; replaces alanine 3949 with threonine.
Molecular consequence: missense variant.
Genome position (GRCh38, 1-based): chr6:32,043,031, C>T on the plus strand (G>A on the coding strand, the complement: TNXB is on the minus strand). VCF-style: chr6-32043031-C-T. GRCh37 (hg19) VCF-style: chr6-32010808-C-T.
Other names: c.11839G>A, p.Ala3947Thr (NM_019105.8); c.1132G>A, p.Ala378Thr (NM_032470.4); short protein forms A378T, A3947T, A3949T.
Identifiers: ClinVar variation 3028983 (VCV003028983.2), dbSNP rs1242154182, ClinGen allele CA363521473.

ClinVar aggregate classification (germline): Uncertain significance (0 of 4 stars; one submission).

Conditions:
TNXB-related disorder. Also called: TNXB-related condition.

Allele frequency attached by ClinVar (database versions not stated): gnomAD exomes 0.00005.
gnomAD v4.1: 12 of 237,642 alleles (0.005%); highest among the groups gnomAD compares: Admixed American, 0.017%; no homozygotes.

Submission:

PreventionGenetics, part of Exact Sciences
Classification: Uncertain significance for TNXB-related condition. Last evaluated: 2024-01-26. Review status: no assertion criteria provided. Collection method: clinical testing. Allele origin: germline.
Comment: The TNXB c.11839G>A variant is predicted to result in the amino acid substitution p.Ala3947Thr. To our knowledge, this variant has not been reported in the literature. This variant is reported in 0.022% of alleles in individuals of Latino descent in gnomAD. This variant falls within a highly paralogous region. Allele frequency data should be interpreted with caution. There is a note at gnomAD stating that allele frequency estimates may not be reliable at this position. At this time, the clinical significance of this variant is uncertain due to the absence of conclusive functional and genetic evidence.